The following is an entry in ClinVar:

NM_000152.5(GAA):c.49G>T (p.Ala17Ser)

Gene: GAA (alpha glucosidase; plus strand). Cytogenetic location: 17q25.3.
Variant type: single nucleotide variant.
Coding change: c.49G>T on transcript NM_000152.5 (MANE Select); coding-DNA position 49, G replaced by T.
Protein change: p.Ala17Ser; replaces alanine 17 with serine.
Molecular consequence: missense variant.
Genome position (GRCh38, 1-based): chr17:80,104,635, G>T. VCF-style: chr17-80104635-G-T. GRCh37 (hg19) VCF-style: chr17-78078434-G-T.
Other names: c.49G>T, p.Ala17Ser (NM_001079803.3, NM_001079804.3); short protein forms A17S.
Identifiers: ClinVar variation 1511437 (VCV001511437.3), dbSNP rs751425831, ClinGen allele CA401360048.
Genomic context (GRCh38, chr17:80,104,635, plus strand): 5'-CCATCTCCAACCATGGGAGTGAGGCACCCGCCCTGCTCCCACCGGCTCCTGGCCGTCTGC[G>T]CCCTCGTGTCCTTGGCAACCGCTGCACTCCTGGGGCACATCCTACTCCATGATTTCCTGC-3'
Protein context (NP_000143.2, residues 7-27): PCSHRLLAVC[Ala17Ser]LVSLATAALL

ClinVar aggregate classification (germline): Uncertain significance (1 of 4 stars; one submission).

Conditions:
Glycogen storage disease, type II (IOPD). Also called: Glucosidase acid-1,4-alpha deficiency; Pompe Disease; POMPE DISEASE, INFANTILE-ONSET; GLYCOGEN STORAGE DISEASE II, INFANTILE-ONSET; ACID ALPHA-GLUCOSIDASE DEFICIENCY, INFANTILE-ONSET; GAA DEFICIENCY, INFANTILE-ONSET. Identifiers: Orphanet 365, MedGen C0017921, MONDO:0009290, OMIM 232300.

Submission:

Labcorp Genetics (formerly Invitae), Labcorp
Classification: Uncertain significance for Glycogen storage disease, type II. Last evaluated: 2022-10-13. Review status: criteria provided, single submitter. Criteria: Invitae Variant Classification Sherloc (09022015). Collection method: clinical testing. Allele origin: germline.
Comment: This sequence change replaces alanine, which is neutral and non-polar, with serine, which is neutral and polar, at codon 17 of the GAA protein (p.Ala17Ser). This variant is present in population databases (no rsID available, gnomAD 0.006%). This variant has not been reported in the literature in individuals affected with GAA-related conditions. ClinVar contains an entry for this variant (Variation ID: 1511437). Advanced modeling of protein sequence and biophysical properties (such as structural, functional, and spatial information, amino acid conservation, physicochemical variation, residue mobility, and thermodynamic stability) performed at Invitae indicates that this missense variant is not expected to disrupt GAA protein function. In summary, the available evidence is currently insufficient to determine the role of this variant in disease. Therefore, it has been classified as a Variant of Uncertain Significance.